The following is an entry in ClinVar:

NM_003482.4(KMT2D):c.13780G>T (p.Ala4594Ser)

Gene: KMT2D (lysine methyltransferase 2D; minus strand). Cytogenetic location: 12q13.12.
Variant type: single nucleotide variant.
Coding change: c.13780G>T on transcript NM_003482.4 (MANE Select); coding-DNA position 13780, G replaced by T.
Protein change: p.Ala4594Ser; replaces alanine 4594 with serine.
Molecular consequence: missense variant.
Genome position (GRCh38, 1-based): chr12:49,030,660, C>A on the plus strand (G>T on the coding strand, the complement: KMT2D is on the minus strand). VCF-style: chr12-49030660-C-A. GRCh37 (hg19) VCF-style: chr12-49424443-C-A.
Other names: short protein forms A4594S.
Identifiers: ClinVar variation 2662476 (VCV002662476.1), dbSNP rs545972414, ClinGen allele CA384702050.

ClinVar aggregate classification (germline): Uncertain significance (1 of 4 stars; one submission).

Submission:

GeneDx
Classification: Uncertain significance. Last evaluated: 2023-04-14. Review status: criteria provided, single submitter. Criteria: GeneDx Variant Classification Process June 2021. Collection method: clinical testing. Allele origin: germline. Affected: yes.
Comment: Not observed at significant frequency in large population cohorts (gnomAD); In silico analysis supports that this missense variant does not alter protein structure/function; Has not been previously published as pathogenic or benign to our knowledge